The following is an entry in ClinVar:

NM_007294.4(BRCA1):c.2942C>T (p.Pro981Leu)

Gene: BRCA1 (BRCA1 DNA repair associated; minus strand). Cytogenetic location: 17q21.31.
Variant type: single nucleotide variant.
Coding change: c.2942C>T on transcript NM_007294.4 (MANE Select); coding-DNA position 2942, C replaced by T.
Protein change: p.Pro981Leu; replaces proline 981 with leucine.
Molecular consequence: missense variant. On other transcripts: intron variant (137).
Genome position (GRCh38, 1-based): chr17:43,092,589, G>A on the plus strand (C>T on the coding strand, the complement: BRCA1 is on the minus strand). VCF-style: chr17-43092589-G-A. GRCh37 (hg19) VCF-style: chr17-41244606-G-A.
Other names: c.2609C>T, p.Pro870Leu (NM_001407946.1, NM_001407947.1, NM_001407948.1 and 6 more transcripts); c.2606C>T, p.Pro869Leu (NM_001407954.1, NM_001407955.1, NM_001407956.1 and 1 more transcripts); c.2561C>T, p.Pro854Leu (NM_001407960.1, NM_001407959.1, NM_001407963.1); c.2558C>T, p.Pro853Leu (NM_001407962.1); c.2729C>T, p.Pro910Leu (NM_001407571.1, NM_001407853.1, NM_001407894.1 and 9 more transcripts); c.2942C>T, p.Pro981Leu (NM_001407581.1, NM_001407582.1, NM_001407583.1 and 30 more transcripts); c.2939C>T, p.Pro980Leu (NM_001407587.1, NM_001407590.1, NM_001407591.1 and 22 more transcripts); c.2933C>T, p.Pro978Leu (NM_001407646.1, NM_001407647.1); and 41 more; short protein forms P854L, P870L, P893L, P933L, P939L, P955L, P910L, P911L.
Identifiers: ClinVar variation 3825322 (VCV003825322.1).

ClinVar aggregate classification (germline): Uncertain significance (1 of 4 stars; one submission).

Conditions:
Hereditary cancer-predisposing syndrome. Also called: Hereditary neoplastic syndrome; Neoplastic Syndromes, Hereditary; Tumor predisposition; Hereditary Cancer Syndrome. Identifiers: Orphanet 140162, MedGen C0027672, MeSH D009386, MONDO:0015356.

Submission:

Ambry Genetics
Classification: Uncertain significance for Hereditary cancer-predisposing syndrome. Last evaluated: 2025-03-13. Review status: criteria provided, single submitter. Criteria: Ambry Variant Classification Scheme 2023. Collection method: clinical testing. Allele origin: germline.
Comment: The p.P981L variant (also known as c.2942C>T), located in coding exon 9 of the BRCA1 gene, results from a C to T substitution at nucleotide position 2942. The proline at codon 981 is replaced by leucine, an amino acid with similar properties. This amino acid position is not well conserved in available vertebrate species. In addition, the in silico prediction for this alteration is inconclusive. Based on the available evidence, the clinical significance of this variant remains unclear.